The following is an entry in ClinVar:

NM_144997.7(FLCN):c.802del (p.Arg268fs)

Gene: FLCN (folliculin; minus strand). Cytogenetic location: 17p11.2.
Variant type: Deletion.
Coding change: c.802del on transcript NM_144997.7 (MANE Select); coding-DNA position 802, one base deleted (C; older notation c.802delC).
Protein change: p.Arg268fs; shifts the reading frame from arginine 268.
Molecular consequence: frameshift variant.
Genome position (GRCh38, 1-based): chr17:17,221,606, G deleted on the plus strand (C on the coding strand, the reverse complement: FLCN is on the minus strand); the first of 2 consecutive G bases (chr17:17,221,606-17,221,607); deleting either gives the same sequence. VCF-style (leftmost placement, unchanged base first): chr17-17221605-CG-C. GRCh37 (hg19) VCF-style: chr17-17124919-CG-C.
Other names: c.802delC (NM_144997.5); c.856del, p.Arg286fs (NM_001353229.2); c.802del, p.Arg268fs (NM_001353230.2, NM_001353231.2, NM_144606.7); short protein forms R286fs, R268fs.
Identifiers: ClinVar variation 1761729 (VCV001761729.2), dbSNP rs2544221037, ClinGen allele CA2580092621.

ClinVar aggregate classification (germline): Pathogenic (1 of 4 stars; one submission).

Conditions:
Hereditary cancer-predisposing syndrome. Also called: Neoplastic Syndromes, Hereditary; Tumor predisposition; Hereditary Cancer Syndrome; Hereditary neoplastic syndrome. Identifiers: Orphanet 140162, MedGen C0027672, MeSH D009386, MONDO:0015356.

Submission:

Ambry Genetics
Classification: Pathogenic for Hereditary cancer-predisposing syndrome. Last evaluated: 2018-10-12. Review status: criteria provided, single submitter. Criteria: Ambry Variant Classification Scheme 2023. Collection method: clinical testing. Allele origin: germline.
Comment: The c.802delC pathogenic mutation, located in coding exon 5 of the FLCN gene, results from a deletion of one nucleotide at nucleotide position 802, causing a translational frameshift with a predicted alternate stop codon (p.R268Gfs*2). This alteration is expected to result in loss of function by premature protein truncation or nonsense-mediated mRNA decay. As such, this alteration is interpreted as a disease-causing mutation.